The following is an entry in ClinVar:

NM_000426.4(LAMA2):c.4115del (p.Pro1372fs)

Gene: LAMA2 (laminin subunit alpha 2; plus strand). Cytogenetic location: 6q22.33.
Variant type: Deletion.
Coding change: c.4115del on transcript NM_000426.4 (MANE Select); coding-DNA position 4115, one base deleted (C; older notation c.4115delC).
Protein change: p.Pro1372fs; shifts the reading frame from proline 1372.
Molecular consequence: frameshift variant.
Genome position (GRCh38, 1-based): chr6:129,320,594, C deleted; the last of 2 consecutive C bases (chr6:129,320,593-129,320,594); deleting either gives the same sequence. VCF-style (leftmost placement, unchanged base first): chr6-129320592-TC-T. GRCh37 (hg19) VCF-style: chr6-129641737-TC-T.
Other names: c.4115del, p.Pro1372fs (NM_001079823.2); short protein forms P1372fs.
Identifiers: ClinVar variation 2743232 (VCV002743232.3), dbSNP rs2482439825, ClinGen allele CA2697552485.

ClinVar aggregate classification (germline): Pathogenic (1 of 4 stars; one submission).

Conditions:
LAMA2-related muscular dystrophy (LAMA2-RD). Also called: Laminin alpha 2-related dystrophy. Identifiers: MedGen C5679788, MONDO:0100228.

Submission:

Labcorp Genetics (formerly Invitae), Labcorp
Classification: Pathogenic for LAMA2-related muscular dystrophy. Last evaluated: 2023-07-14. Review status: criteria provided, single submitter. Criteria: Invitae Variant Classification Sherloc (09022015). Collection method: clinical testing. Allele origin: germline.
Comment: For these reasons, this variant has been classified as Pathogenic. This variant has not been reported in the literature in individuals affected with LAMA2-related conditions. This variant is not present in population databases (gnomAD no frequency). This sequence change creates a premature translational stop signal (p.Pro1372Leufs*5) in the LAMA2 gene. It is expected to result in an absent or disrupted protein product. Loss-of-function variants in LAMA2 are known to be pathogenic (PMID: 18700894, 32904964).

Literature cited by the submitters: PubMed 18700894; PubMed 32904964.